The following is an entry in ClinVar:

NM_001378457.1(DMXL2):c.8338-6T>C

Gene: DMXL2 (Dmx like 2; minus strand). Cytogenetic location: 15q21.2.
Variant type: single nucleotide variant.
Coding change: c.8338-6T>C on transcript NM_001378457.1 (MANE Select); 6 bases into the intron before coding-DNA position 8338, T replaced by C.
Molecular consequence: intron variant.
Genome position (GRCh38, 1-based): chr15:51,456,375, A>G on the plus strand (T>C on the coding strand, the complement: DMXL2 is on the minus strand). VCF-style: chr15-51456375-A-G. GRCh37 (hg19) VCF-style: chr15-51748572-A-G.
Other names: c.6253-6T>C (NM_001378460.1); c.6364-6T>C (NM_001174117.3); c.8272-6T>C (NM_015263.5); c.8335-6T>C (NM_001378458.1); c.8050-6T>C (NM_001378459.1); c.8275-6T>C (NM_001174116.3).
Identifiers: ClinVar variation 1476834 (VCV001476834.3), dbSNP rs1167513388, ClinGen allele CA617907268.

ClinVar aggregate classification (germline): Uncertain significance (1 of 4 stars; one submission).

Allele frequency attached by ClinVar (database versions not stated): gnomAD exomes below 0.00001; gnomAD 0.00001; TOPMed 0.00001.
gnomAD v4.1: 4 of 1,563,020 alleles (0.00026%); highest among the groups gnomAD compares: Non-Finnish European, 0.00035%; no homozygotes.

Submission:

Labcorp Genetics (formerly Invitae), Labcorp
Classification: Uncertain significance. Last evaluated: 2022-06-09. Review status: criteria provided, single submitter. Criteria: Invitae Variant Classification Sherloc (09022015). Collection method: clinical testing. Allele origin: germline.
Comment: This sequence change falls in intron 36 of the DMXL2 gene. It does not directly change the encoded amino acid sequence of the DMXL2 protein. This variant is present in population databases (no rsID available, gnomAD 0.0009%). This variant has not been reported in the literature in individuals affected with DMXL2-related conditions. Algorithms developed to predict the effect of sequence changes on RNA splicing suggest that this variant may disrupt the consensus splice site. In summary, the available evidence is currently insufficient to determine the role of this variant in disease. Therefore, it has been classified as a Variant of Uncertain Significance.